The following is an entry in ClinVar:

NM_001372.4(DNAH9):c.13094G>A (p.Arg4365His)

Gene: DNAH9 (dynein axonemal heavy chain 9; plus strand). Cytogenetic location: 17p12.
Variant type: single nucleotide variant.
Coding change: c.13094G>A on transcript NM_001372.4 (MANE Select); coding-DNA position 13094, G replaced by A.
Protein change: p.Arg4365His; replaces arginine 4365 with histidine.
Molecular consequence: missense variant.
Genome position (GRCh38, 1-based): chr17:11,962,117, G>A. VCF-style: chr17-11962117-G-A. GRCh37 (hg19) VCF-style: chr17-11865434-G-A.
Other names: c.2030G>A, p.Arg677His (NM_004662.2); c.13094G>A (NM_001372.3); short protein forms R4365H, R677H.
Identifiers: ClinVar variation 1374261 (VCV001374261.6), dbSNP rs368954907, ClinGen allele CA8398341.
Genomic context (GRCh38, chr17:11,962,117, plus strand): 5'-GGCTGACAGGCTTCTTCAACCCCCAGTCGTTCCTGACTGCCATCATGCAGTCCACGGCTC[G>A]CAAGAATGAGTGGCCACTGGACCAGATGGCCCTGCAATGTGACATGACGAAGAAGAACAG-3'
Protein context (NP_001363.2, residues 4355-4375): FLTAIMQSTA[Arg4365His]KNEWPLDQMA

ClinVar aggregate classification (germline): Uncertain significance. Review status: criteria provided, multiple submitters, no conflicts (2 of 4 stars). 2 submissions from 2 submitters: Uncertain significance (2). Last evaluated 2024-06-26.

Conditions:
Inborn genetic diseases. Identifiers: MedGen C0950123, MeSH D030342.

Allele frequency attached by ClinVar (database versions not stated): gnomAD exomes 0.00001 and 0.00004; ExAC 0.00002; gnomAD 0.00005; ESP Exome Variant Server 0.00008.
gnomAD v4.1: 28 of 1,614,000 alleles (0.0017%); highest among the groups gnomAD compares: African/African-American, 0.012%; no homozygotes.

Submissions (2):

Ambry Genetics
Classification: Uncertain significance for Inborn genetic diseases. Last evaluated: 2024-06-26. Review status: criteria provided, single submitter. Criteria: Ambry Variant Classification Scheme 2023. Collection method: clinical testing. Allele origin: germline.

Labcorp Genetics (formerly Invitae), Labcorp
Classification: Uncertain significance. Last evaluated: 2024-02-26. Review status: criteria provided, single submitter. Criteria: Invitae Variant Classification Sherloc (09022015). Collection method: clinical testing. Allele origin: germline.
Comment: This sequence change replaces arginine, which is basic and polar, with histidine, which is basic and polar, at codon 4365 of the DNAH9 protein (p.Arg4365His). This variant is present in population databases (rs368954907, gnomAD 0.01%). This variant has not been reported in the literature in individuals affected with DNAH9-related conditions. ClinVar contains an entry for this variant (Variation ID: 1374261). Advanced modeling of protein sequence and biophysical properties (such as structural, functional, and spatial information, amino acid conservation, physicochemical variation, residue mobility, and thermodynamic stability) performed at Invitae indicates that this missense variant is not expected to disrupt DNAH9 protein function with a negative predictive value of 80%. In summary, the available evidence is currently insufficient to determine the role of this variant in disease. Therefore, it has been classified as a Variant of Uncertain Significance.